The following is an entry in ClinVar:

ClinVar aggregate classification (germline): Uncertain significance (1 of 4 stars; one submission).

Conditions:
Joubert syndrome. Also called: CEREBELLOPARENCHYMAL DISORDER IV; JOUBERT-BOLTSHAUSER SYNDROME; Familial aplasia of the vermis. Identifiers: Orphanet 475, MedGen C5979921, MONDO:0018772.
Meckel-Gruber syndrome. Also called: DYSENCEPHALIA SPLANCHNOCYSTICA; GRUBER SYNDROME; Dysencephalia splachnocystica. Identifiers: Orphanet 564, MedGen C0265215, MONDO:0018921.

Submission:

Labcorp Genetics (formerly Invitae), Labcorp
Classification: Uncertain significance for Joubert syndrome; Meckel-Gruber syndrome. Last evaluated: 2021-11-23. Review status: criteria provided, single submitter. Criteria: Invitae Variant Classification Sherloc (09022015). Collection method: clinical testing. Allele origin: germline.
Comment: Algorithms developed to predict the effect of missense changes on protein structure and function (SIFT, PolyPhen-2, Align-GVGD) all suggest that this variant is likely to be disruptive. In summary, the available evidence is currently insufficient to determine the role of this variant in disease. Therefore, it has been classified as a Variant of Uncertain Significance. This variant has not been reported in the literature in individuals affected with TCTN2-related conditions. This sequence change replaces cysteine, which is neutral and slightly polar, with tryptophan, which is neutral and slightly polar, at codon 604 of the TCTN2 protein (p.Cys604Trp). This variant is not present in population databases (gnomAD no frequency).

NM_024809.5(TCTN2):c.1812T>G (p.Cys604Trp)

Gene: TCTN2 (tectonic family member 2; plus strand). Cytogenetic location: 12q24.31.
Variant type: single nucleotide variant.
Coding change: c.1812T>G on transcript NM_024809.5 (MANE Select); coding-DNA position 1812, T replaced by G.
Protein change: p.Cys604Trp; replaces cysteine 604 with tryptophan.
Molecular consequence: missense variant.
Genome position (GRCh38, 1-based): chr12:123,706,768, T>G. VCF-style: chr12-123706768-T-G. GRCh37 (hg19) VCF-style: chr12-124191315-T-G.
Other names: c.1809T>G, p.Cys603Trp (NM_001143850.3); short protein forms C604W, C603W.
Identifiers: ClinVar variation 1394531 (VCV001394531.6), dbSNP rs1593871306, ClinGen allele CA387148617.